The following is an entry in ClinVar:

ClinVar aggregate classification (germline): Benign. Review status: criteria provided, multiple submitters, no conflicts (2 of 4 stars). 4 submissions from 4 submitters: Benign (3). 1 of the submissions does not count toward it. Last evaluated 2018-04-10.

Conditions:
TBX22-related disorder. Also called: TBX22-related condition.
Cleft palate with or without ankyloglossia, X-linked. Identifiers: Orphanet 324601, MedGen C1844830, MONDO:0010560, OMIM 303400.

Allele frequency attached by ClinVar (database versions not stated): ExAC 0.00108; 1000 Genomes Project 30x 0.00187; 1000 Genomes Project 0.00212; gnomAD 0.00244 and 0.00266; ESP Exome Variant Server 0.00246; TOPMed 0.00266.
gnomAD v4.1: 702 of 1,050,330 alleles (0.067%); highest among the groups gnomAD compares: African/African-American, 0.75%; no homozygotes.

Submissions (4):

Labcorp Genetics (formerly Invitae), Labcorp
Classification: Benign. Last evaluated: 2018-04-10. Review status: criteria provided, single submitter. Criteria: Invitae Variant Classification Sherloc (09022015). Collection method: clinical testing. Allele origin: germline.

Illumina Laboratory Services, Illumina
Classification: Benign for Cleft palate with or without ankyloglossia, X-linked. Last evaluated: 2018-04-06. Review status: criteria provided, single submitter. Criteria: ICSL Variant Classification Criteria 13 December 2019. Collection method: clinical testing. Allele origin: germline.
Comment: This variant was observed in the ICSL laboratory as part of a predisposition screen in an ostensibly healthy population. It had not been previously curated by ICSL or reported in the Human Gene Mutation Database (HGMD: prior to June 1st, 2018), and was therefore a candidate for classification through an automated scoring system. Utilizing variant allele frequency, disease prevalence and penetrance estimates, and inheritance mode, an automated score was calculated to assess if this variant is too frequent to cause the disease. Based on the score and internal cut-off values, a variant classified as benign is not then subjected to further curation. The score for this variant resulted in a classification of benign for this disease.

Breakthrough Genomics
Classification: Benign. Review status: criteria provided, single submitter. Criteria: ACMG Guidelines, 2015. Collection method: not provided. Allele origin: germline. Inheritance: X-linked inheritance. Affected: yes.

PreventionGenetics, part of Exact Sciences
Classification: Likely benign for TBX22-related condition. Last evaluated: 2019-10-14. Review status: no assertion criteria provided. Collection method: clinical testing. Allele origin: germline. Not counted in ClinVar's aggregate classification.
Comment: This variant is classified as likely benign based on ACMG/AMP sequence variant interpretation guidelines (Richards et al. 2015 PMID: 25741868, with internal and published modifications).

NM_001109878.2(TBX22):c.804G>A (p.Thr268=)

Gene: TBX22 (T-box transcription factor 22). Cytogenetic location: Xq21.1.
Variant type: single nucleotide variant.
Coding change: c.804G>A on transcript NM_001109878.2 (MANE Select); coding-DNA position 804, G replaced by A.
Protein change: p.Thr268=; no amino-acid change (threonine 268 retained).
Molecular consequence: synonymous variant.
Genome position (GRCh38, 1-based): chrX:80,027,261, G>A. VCF-style: chrX-80027261-G-A. GRCh37 (hg19) VCF-style: chrX-79282760-G-A.
Other names: c.444G>A, p.Thr148= (NM_001109879.2, NM_001303475.1); c.804G>A, p.Thr268= (NM_016954.2).
Identifiers: ClinVar variation 729592 (VCV000729592.10), dbSNP rs150811689, ClinGen allele CA10461312.